The following is an entry in ClinVar:

NM_019066.5(MAGEL2):c.723G>T (p.Gln241His)

Gene: MAGEL2 (MAGE family member L2; minus strand). Cytogenetic location: 15q11.2.
Variant type: single nucleotide variant.
Coding change: c.723G>T on transcript NM_019066.5 (MANE Select); coding-DNA position 723, G replaced by T.
Protein change: p.Gln241His; replaces glutamine 241 with histidine.
Molecular consequence: missense variant.
Genome position (GRCh38, 1-based): chr15:23,647,020, C>A on the plus strand (G>T on the coding strand, the complement: MAGEL2 is on the minus strand). VCF-style: chr15-23647020-C-A. GRCh37 (hg19) VCF-style: chr15-23892167-C-A.
Other names: c.723G>T (NM_019066.4); short protein forms Q241H.
Identifiers: ClinVar variation 2187113 (VCV002187113.6), dbSNP rs949544103, ClinGen allele CA391336649.

ClinVar aggregate classification (germline): Uncertain significance. Review status: criteria provided, multiple submitters, no conflicts (2 of 4 stars). 3 submissions from 3 submitters: Uncertain significance (3). Last evaluated 2025-06-16.

Conditions:
MAGEL2-related disorder. Also called: MAGEL2-related condition.
Inborn genetic diseases. Identifiers: MedGen C0950123, MeSH D030342.

gnomAD v4.1: 5 of 1,536,826 alleles (0.00033%); highest among the groups gnomAD compares: Admixed American, 0.0098%; no homozygotes.

Submissions (3):

Labcorp Genetics (formerly Invitae), Labcorp
Classification: Uncertain significance. Last evaluated: 2025-06-16. Review status: criteria provided, single submitter. Criteria: Invitae Variant Classification Sherloc (09022015). Collection method: clinical testing. Allele origin: germline.
Comment: This sequence change replaces glutamine, which is neutral and polar, with histidine, which is basic and polar, at codon 241 of the MAGEL2 protein (p.Gln241His). This variant is present in population databases (no rsID available, gnomAD 0.02%). This variant has not been reported in the literature in individuals affected with MAGEL2-related conditions. ClinVar contains an entry for this variant (Variation ID: 2187113). Experimental studies and prediction algorithms are not available or were not evaluated, and the functional significance of this variant is currently unknown. In summary, the available evidence is currently insufficient to determine the role of this variant in disease. Therefore, it has been classified as a Variant of Uncertain Significance.

PreventionGenetics, part of Exact Sciences
Classification: Uncertain significance for MAGEL2-related condition. Last evaluated: 2025-02-05. Review status: criteria provided, single submitter. Criteria: ACMG Guidelines, 2015. Collection method: clinical testing. Allele origin: germline.
Comment: The MAGEL2 c.723G>T variant is predicted to result in the amino acid substitution p.Gln241His. To our knowledge, this variant has not been reported in the literature. This variant is reported in 0.016% of alleles in individuals of Latino descent in gnomAD. At this time, the clinical significance of this variant is uncertain due to the absence of conclusive functional and genetic evidence.

Ambry Genetics
Classification: Uncertain significance for Inborn genetic diseases. Last evaluated: 2024-12-14. Review status: criteria provided, single submitter. Criteria: Ambry Variant Classification Scheme 2023. Collection method: clinical testing. Allele origin: germline.